The following is an entry in ClinVar:

NM_006567.5(FARS2):c.460G>A (p.Ala154Thr)

Genes: FARS2 (phenylalanyl-tRNA synthetase 2, mitochondrial; plus strand), LOC126859565 (CDK7 strongly-dependent group 2 enhancer GRCh37_chr6:5368745-5369944; plus strand). Cytogenetic location: 6p25.1.
Variant type: single nucleotide variant.
Coding change: c.460G>A on transcript NM_006567.5 (MANE Select); coding-DNA position 460, G replaced by A.
Protein change: p.Ala154Thr; replaces alanine 154 with threonine.
Molecular consequence: missense variant. On other transcripts: intron variant (2).
Genome position (GRCh38, 1-based): chr6:5,369,030, G>A. VCF-style: chr6-5369030-G-A. GRCh37 (hg19) VCF-style: chr6-5369263-G-A.
Other names: c.460G>A, p.Ala154Thr (NM_001318872.2, NM_001374875.1, NM_001374876.1 and 5 more transcripts); c.-340-27603G>A (NM_001375260.1); c.-84-35512G>A (NM_001375259.1); short protein forms A154T.
Identifiers: ClinVar variation 4764868 (VCV004764868.1).
Genomic context (GRCh38, chr6:5,369,030, plus strand): 5'-GATCACCCCAGCAGGAAGAAGGGGGACAACTATTACCTGAATCGGACTCACATGCTGAGA[G>A]CGCACACGTCTGCACACCAGTGGGACTTGCTGCACGCGGGACTGGATGCCTTCCTGGTGG-3'
Protein context (NP_006558.1, residues 144-164): YYLNRTHMLR[Ala154Thr]HTSAHQWDLL

ClinVar aggregate classification (germline): Uncertain significance (1 of 4 stars; one submission).

Conditions:
Combined oxidative phosphorylation defect type 14. Also called: Combined oxidative phosphorylation deficiency 14. Identifiers: Orphanet 319519, MedGen C4755312, MONDO:0013986, OMIM 614946.

gnomAD v4.1: 1 of 1,613,902 alleles (0.000062%); highest among the groups gnomAD compares: Non-Finnish European, 0.000085%; no homozygotes.

Submission:

Labcorp Genetics (formerly Invitae), Labcorp
Classification: Uncertain significance for Combined oxidative phosphorylation defect type 14. Last evaluated: 2025-04-01. Review status: criteria provided, single submitter. Criteria: Invitae Variant Classification Sherloc (09022015). Collection method: clinical testing. Allele origin: germline.
Comment: This sequence change replaces alanine, which is neutral and non-polar, with threonine, which is neutral and polar, at codon 154 of the FARS2 protein (p.Ala154Thr). This variant is present in population databases (no rsID available, gnomAD 0.007%). This variant has not been reported in the literature in individuals affected with FARS2-related conditions. Invitae Evidence Modeling of protein sequence and biophysical properties (such as structural, functional, and spatial information, amino acid conservation, physicochemical variation, residue mobility, and thermodynamic stability) indicates that this missense variant is not expected to disrupt FARS2 protein function with a negative predictive value of 80%. In summary, the available evidence is currently insufficient to determine the role of this variant in disease. Therefore, it has been classified as a Variant of Uncertain Significance.